The following is an entry in ClinVar:

NM_024577.4(SH3TC2):c.3213C>T (p.Ile1071=)

Gene: SH3TC2 (SH3 domain and tetratricopeptide repeats 2; minus strand). Cytogenetic location: 5q32.
Variant type: single nucleotide variant.
Coding change: c.3213C>T on transcript NM_024577.4 (MANE Select); coding-DNA position 3213, C replaced by T.
Protein change: p.Ile1071=; no amino-acid change (isoleucine 1071 retained).
Molecular consequence: synonymous variant.
Genome position (GRCh38, 1-based): chr5:149,010,384, G>A on the plus strand (C>T on the coding strand, the complement: SH3TC2 is on the minus strand). VCF-style: chr5-149010384-G-A. GRCh37 (hg19) VCF-style: chr5-148389947-G-A.
Identifiers: ClinVar variation 1030851 (VCV001030851.1), dbSNP rs1753764451, ClinGen allele CA447112196.

ClinVar aggregate classification (germline): Uncertain significance (1 of 4 stars; one submission).

Conditions:
Charcot-Marie-Tooth disease type 4C (CMT4C). Also called: CHARCOT-MARIE-TOOTH DISEASE, DEMYELINATING, TYPE 4C; CMT 4C; CHARCOT-MARIE-TOOTH DISEASE, DEMYELINATING, AUTOSOMAL RECESSIVE, TYPE 4C; Charcot-Marie-Tooth Neuropathy Type 4C (CMT4C); SH3TC2-Related Hereditary Motor and Sensory Neuropathy. Identifiers: Orphanet 99949, MedGen C1866636, MONDO:0011113, OMIM 601596.

Submission:

Baylor Genetics
Classification: Uncertain significance for Charcot-Marie-Tooth disease type 4C. Last evaluated: 2020-02-21. Review status: criteria provided, single submitter. Criteria: ACMG Guidelines, 2015. Collection method: clinical testing. Allele origin: unknown. Affected: yes.
Comment: This variant was determined to be of uncertain significance according to ACMG Guidelines, 2015 [PMID:25741868].